The following is an entry in ClinVar:

ClinVar aggregate classification (germline): Uncertain significance (1 of 4 stars; one submission).

Submission:

GeneDx
Classification: Uncertain significance. Last evaluated: 2025-03-17. Review status: criteria provided, single submitter. Criteria: GeneDx Variant Classification Process June 2021. Collection method: clinical testing. Allele origin: germline. Affected: yes.
Comment: Not observed at significant frequency in large population cohorts (gnomAD); In silico analysis does not support a benign or deleterious effect of this variant on protein structure/function; Has not been previously published as pathogenic or benign to our knowledge

NM_144599.5(NIPA1):c.470C>T (p.Thr157Ile)

Gene: NIPA1 (NIPA magnesium transporter 1; plus strand). Cytogenetic location: 15q11.2.
Variant type: single nucleotide variant.
Coding change: c.470C>T on transcript NM_144599.5 (MANE Select); coding-DNA position 470, C replaced by T.
Protein change: p.Thr157Ile; replaces threonine 157 with isoleucine.
Molecular consequence: missense variant.
Genome position (GRCh38, 1-based): chr15:22,820,465, C>T. VCF-style: chr15-22820465-C-T. GRCh37 (hg19) VCF-style: chr15-23052603-G-A.
Other names: c.245C>T, p.Thr82Ile (NM_001142275.1); short protein forms T157I, T82I.
Identifiers: ClinVar variation 4086537 (VCV004086537.1).
Genomic context (GRCh38, chr15:22,820,465, plus strand): 5'-TTATCCACTCCCCAAAGTCTGAGAGTGTGACAACTCAGGCTGAGCTGGAGGAAAAGCTGA[C>T]CAATCCAGGTAATTCCTTTCTAGCAGCACTGCCAAGAAAGTTTGCAGTAGGAGTGCCAAC-3'
Protein context (NP_653200.2, residues 147-167): TTQAELEEKL[Thr157Ile]NPVFVGYLCI